The following is an entry in ClinVar:

ClinVar aggregate classification (germline): Likely benign. Review status: criteria provided, multiple submitters, no conflicts (2 of 4 stars). 2 submissions from 2 submitters: Likely benign (2). Last evaluated 2025-07-06.

Conditions:
KANK1-related disorder. Also called: KANK1-related condition.

Allele frequency attached by ClinVar (database versions not stated): gnomAD exomes 0.00008 and 0.00021; ExAC 0.00030; gnomAD 0.00072 and 0.00074; TOPMed 0.00077; ESP Exome Variant Server 0.00100; 1000 Genomes Project 30x 0.00109; 1000 Genomes Project 0.00120.
gnomAD v4.1: 245 of 1,613,878 alleles (0.015%); highest among the groups gnomAD compares: African/African-American, 0.24%; 2 homozygotes.

Submissions (2):

Labcorp Genetics (formerly Invitae), Labcorp
Classification: Likely benign. Last evaluated: 2025-07-06. Review status: criteria provided, single submitter. Criteria: Invitae Variant Classification Sherloc (09022015). Collection method: clinical testing. Allele origin: germline.

PreventionGenetics, part of Exact Sciences
Classification: Likely benign for KANK1-related condition. Last evaluated: 2025-05-22. Review status: criteria provided, single submitter. Criteria: ACMG Guidelines, 2015. Collection method: clinical testing. Allele origin: germline.
Comment: This variant is classified as likely benign based on ACMG/AMP sequence variant interpretation guidelines (Richards et al. 2015 PMID: 25741868, with internal and published modifications).

NM_015158.5(KANK1):c.16A>G (p.Lys6Glu)

Genes: KANK1 (KN motif and ankyrin repeat domains 1; plus strand), KANK1-AS1 (KANK1 antisense RNA 1; minus strand). Cytogenetic location: 9p24.3.
Variant type: single nucleotide variant.
Coding change: c.16A>G on transcript NM_015158.5 (MANE Select); coding-DNA position 16, A replaced by G.
Protein change: p.Lys6Glu; replaces lysine 6 with glutamic acid.
Molecular consequence: missense variant. On other transcripts: 5 prime UTR variant (1).
Genome position (GRCh38, 1-based): chr9:676,988, A>G. VCF-style: chr9-676988-A-G. GRCh37 (hg19) VCF-style: chr9-676988-A-G.
Other names: c.16A>G, p.Lys6Glu (NM_001256876.3, NM_001256877.3, NM_001354331.2 and 2 more transcripts); c.-492A>G (NM_001354333.2); c.16A>G (NM_015158.3); short protein forms K6E.
Identifiers: ClinVar variation 1461228 (VCV001461228.9), dbSNP rs144467559, ClinGen allele CA4959799.